The following is an entry in ClinVar:

NM_001913.5(CUX1):c.1945T>C (p.Cys649Arg)

Gene: CUX1 (cut like homeobox 1; plus strand). Cytogenetic location: 7q22.1.
Variant type: single nucleotide variant.
Coding change: c.1945T>C on transcript NM_001913.5 (MANE Plus Clinical); coding-DNA position 1945, T replaced by C.
Protein change: p.Cys649Arg; replaces cysteine 649 with arginine.
Molecular consequence: missense variant.
Genome position (GRCh38, 1-based): chr7:102,282,754, T>C. VCF-style: chr7-102282754-T-C. GRCh37 (hg19) VCF-style: chr7-101926046-T-C.
Other names: c.1897T>C, p.Cys633Arg (NM_001202544.3); c.1807T>C, p.Cys603Arg (NM_001202545.3); c.1828T>C, p.Cys610Arg (NM_001202546.3); c.1939T>C, p.Cys647Arg (NM_181500.4); short protein forms C603R, C610R, C633R, C647R, C649R.
Identifiers: ClinVar variation 3778199 (VCV003778199.7).

ClinVar aggregate classification (germline): Likely benign (1 of 4 stars; one submission).

gnomAD v4.1: 246 of 1,613,436 alleles (0.015%); highest among the groups gnomAD compares: Non-Finnish European, 0.019%; 1 homozygote.

Submission:

CeGaT Center for Human Genetics Tuebingen
Classification: Likely benign. Last evaluated: 2025-06-01. Review status: criteria provided, single submitter. Criteria: CeGaT Center For Human Genetics Tuebingen Variant Classification Criteria Version 2. Collection method: clinical testing. Allele origin: germline. Affected: yes. Observed: 2 variant alleles.
Comment: CUX1: PP2, BP4, BS2